The following is an entry in ClinVar:

NM_006901.4(MYO9A):c.1573G>A (p.Glu525Lys)

Gene: MYO9A (myosin IXA; minus strand). Cytogenetic location: 15q23.
Variant type: single nucleotide variant.
Coding change: c.1573G>A on transcript NM_006901.4 (MANE Select); coding-DNA position 1573, G replaced by A.
Protein change: p.Glu525Lys; replaces glutamic acid 525 with lysine.
Molecular consequence: missense variant.
Genome position (GRCh38, 1-based): chr15:71,994,483, C>T on the plus strand (G>A on the coding strand, the complement: MYO9A is on the minus strand). VCF-style: chr15-71994483-C-T. GRCh37 (hg19) VCF-style: chr15-72286824-C-T.
Other names: short protein forms E525K.
Identifiers: ClinVar variation 1031100 (VCV001031100.1), dbSNP rs113371332, ClinGen allele CA272640038.

ClinVar aggregate classification (germline): Uncertain significance (1 of 4 stars; one submission).

Conditions:
Myasthenic syndrome, congenital, 24, presynaptic. Identifiers: MedGen C4748684, MONDO:0032597, OMIM 618198.

Allele frequency attached by ClinVar (database versions not stated): gnomAD exomes below 0.00001 and 0.00001; gnomAD 0.00001; TOPMed 0.00001.
gnomAD v4.1: 30 of 1,590,672 alleles (0.0019%); highest among the groups gnomAD compares: African/African-American, 0.016%; 1 homozygote.

Submission:

Baylor Genetics
Classification: Uncertain significance for Myasthenic syndrome, congenital, 24, presynaptic. Last evaluated: 2020-05-05. Review status: criteria provided, single submitter. Criteria: ACMG Guidelines, 2015. Collection method: clinical testing. Allele origin: unknown. Affected: yes.
Comment: This variant was determined to be of uncertain significance according to ACMG Guidelines, 2015 [PMID:25741868].